The following is an entry in ClinVar:

ClinVar aggregate classification (germline): Benign/Likely benign. Review status: criteria provided, multiple submitters, no conflicts (2 of 4 stars). 3 submissions from 3 submitters: Benign (1); Likely benign (2). Last evaluated 2025-02-10.

Conditions:
Colorectal cancer, susceptibility to, 12 (CRCS12). Also called: COLORECTAL CANCER, SUSCEPTIBILITY TO, ON CHROMOSOME 12q24. Identifiers: Orphanet 220460, MedGen C3554460, MONDO:0014038, OMIM 615083.
Hereditary cancer-predisposing syndrome. Also called: Hereditary neoplastic syndrome; Hereditary Cancer Syndrome; Tumor predisposition; Neoplastic Syndromes, Hereditary. Identifiers: Orphanet 140162, MedGen C0027672, MeSH D009386, MONDO:0015356.

Submissions (3):

Myriad Genetics, Inc.
Classification: Benign for Colorectal cancer, susceptibility to, 12. Last evaluated: 2025-02-10. Review status: criteria provided, single submitter. Criteria: Myriad Autosomal Dominant, Autosomal Recessive and X-Linked Classification Criteria (2023). Collection method: clinical testing. Allele origin: unknown.
Comment: This variant is considered benign. This variant is a silent/synonymous amino acid change and it is not expected to impact splicing.

Ambry Genetics
Classification: Likely benign for Hereditary cancer-predisposing syndrome. Last evaluated: 2022-07-23. Review status: criteria provided, single submitter. Criteria: Ambry Variant Classification Scheme 2023. Collection method: clinical testing. Allele origin: germline.

Labcorp Genetics (formerly Invitae), Labcorp
Classification: Likely benign. Last evaluated: 2022-04-29. Review status: criteria provided, single submitter. Criteria: Invitae Variant Classification Sherloc (09022015). Collection method: clinical testing. Allele origin: germline.

NM_006231.4(POLE):c.1191C>T (p.Tyr397=)

Gene: POLE (DNA polymerase epsilon, catalytic subunit; minus strand). Cytogenetic location: 12q24.33.
Variant type: single nucleotide variant.
Coding change: c.1191C>T on transcript NM_006231.4 (MANE Select); coding-DNA position 1191, C replaced by T.
Protein change: p.Tyr397=; no amino-acid change (tyrosine 397 retained).
Molecular consequence: synonymous variant.
Genome position (GRCh38, 1-based): chr12:132,675,433, G>A on the plus strand (C>T on the coding strand, the complement: POLE is on the minus strand). VCF-style: chr12-132675433-G-A. GRCh37 (hg19) VCF-style: chr12-133252019-G-A.
Identifiers: ClinVar variation 1129646 (VCV001129646.13), dbSNP rs1208085896, ClinGen allele CA482849644.